The following is an entry in ClinVar:

NM_015338.6(ASXL1):c.3448G>T (p.Gly1150Ter)

Gene: ASXL1 (ASXL transcriptional regulator 1; plus strand). Cytogenetic location: 20q11.21.
Variant type: single nucleotide variant.
Coding change: c.3448G>T on transcript NM_015338.6 (MANE Select); coding-DNA position 3448, G replaced by T.
Protein change: p.Gly1150Ter; replaces glycine 1150 with a stop codon.
Molecular consequence: nonsense.
Genome position (GRCh38, 1-based): chr20:32,436,160, G>T. VCF-style: chr20-32436160-G-T. GRCh37 (hg19) VCF-style: chr20-31023963-G-T.
Other names: c.3265G>T, p.Gly1089Ter (NM_001363734.1); short protein forms G1089*, G1150*.
Identifiers: ClinVar variation 3776055 (VCV003776055.1).

ClinVar aggregate classification (germline): Likely pathogenic (1 of 4 stars; one submission).

Conditions:
Bohring-Opitz syndrome. Also called: C-LIKE SYNDROME; BOHRING SYNDROME; OPITZ TRIGONOCEPHALY-LIKE SYNDROME; ASXL1-Related Bohring-Opitz Syndrome. Identifiers: Orphanet 97297, MedGen C0796232, MONDO:0011510, OMIM 605039.

Submission:

3billion
Classification: Likely pathogenic for Bohring-Opitz syndrome. Last evaluated: 2023-10-17. Review status: criteria provided, single submitter. Criteria: ACMG Guidelines, 2015. Collection method: clinical testing. Allele origin: germline. Affected: yes.
Comment: The variant is not observed in the gnomAD v2.1.1 dataset. Predicted Consequence/Location: Stop-gained (nonsense): predicted to result in a loss or disruption of normal protein function through protein truncation. The predicted truncated protein may be shortened by more than 10%. Therefore, this variant is classified as Likely pathogenic according to the recommendation of ACMG/AMP guideline.